The following is an entry in ClinVar:

ClinVar aggregate classification (germline): Pathogenic (1 of 4 stars; one submission).

Conditions:
Luscan-Lumish syndrome. Identifiers: Orphanet 597738, MedGen C4085873, MONDO:0014791, OMIM 616831.

Submission:

3billion
Classification: Pathogenic for Luscan-Lumish syndrome. Last evaluated: 2021-10-02. Review status: criteria provided, single submitter. Criteria: ACMG Guidelines, 2015. Collection method: clinical testing. Allele origin: germline. Affected: yes. Observed: 1 heterozygote.
Comment: Frameshift: predicted to result in a loss or disruption of normal protein function through nonsense-mediated decay (NMD) or protein truncation. Multiple pathogenic variants are reported downstream of the variant (PVS1_VS). The variant was observed as assumed (i.e. paternity and maternity not confirmed) de novoo (3billion dataset, PM6). It is not observed in the gnomAD v2.1.1 dataset (PM2). Therefore, this variant is classified as pathogenic according to the recommendation of ACMG/AMP guideline.

NM_014159.7(SETD2):c.6712_6718del (p.Ser2238fs)

Gene: SETD2 (SET domain containing 2, histone lysine methyltransferase; minus strand). Cytogenetic location: 3p21.31.
Variant type: Deletion.
Coding change: c.6712_6718del on transcript NM_014159.7 (MANE Select); coding-DNA positions 6712 to 6718, 7 bases deleted (TCCCAGT; older notation c.6712_6718delTCCCAGT).
Protein change: p.Ser2238fs; shifts the reading frame from serine 2238.
Molecular consequence: frameshift variant. On other transcripts: non-coding transcript variant (1).
Genome position (GRCh38, 1-based): chr3:47,057,066-47,057,072, ACTGGGA deleted on the plus strand (TCCCAGT on the coding strand, the reverse complement: SETD2 is on the minus strand); deleting any 7 consecutive bases within chr3:47,057,066-47,057,077 gives the same sequence; the c. name uses the placement nearest the transcript's 3' end. VCF-style (leftmost placement, unchanged base first): chr3-47057065-TACTGGGA-T. GRCh37 (hg19) VCF-style: chr3-47098555-TACTGGGA-T.
Other names: c.6580_6586del, p.Ser2194fs (NM_001349370.3); short protein forms S2194fs, S2238fs.
Identifiers: ClinVar variation 1320096 (VCV001320096.1), dbSNP rs2107575654, ClinGen allele CA2573052178.